The following is an entry in ClinVar:

ClinVar aggregate classification (germline): Uncertain significance (1 of 4 stars; one submission).

Conditions:
Capillary malformation-arteriovenous malformation syndrome. Also called: Capillary malformation-arteriovenous malformation. Identifiers: Orphanet 137667, MedGen C1842180, MONDO:0012016.

Submission:

Labcorp Genetics (formerly Invitae), Labcorp
Classification: Uncertain significance for Capillary malformation-arteriovenous malformation syndrome. Last evaluated: 2026-01-05. Review status: criteria provided, single submitter. Criteria: Invitae Variant Classification Sherloc (09022015). Collection method: clinical testing. Allele origin: germline.
Comment: This sequence change replaces serine, which is neutral and polar, with threonine, which is neutral and polar, at codon 595 of the RASA1 protein (p.Ser595Thr). This variant is not present in population databases (gnomAD no frequency). This variant has not been reported in the literature in individuals affected with RASA1-related conditions. ClinVar contains an entry for this variant (Variation ID: 2808790). An algorithm developed to predict the effect of missense changes on protein structure and function (PolyPhen-2) suggests that this variant is likely to be disruptive. In summary, the available evidence is currently insufficient to determine the role of this variant in disease. Therefore, it has been classified as a Variant of Uncertain Significance.

NM_002890.3(RASA1):c.1784G>C (p.Ser595Thr)

Genes: CCNH (cyclin H; minus strand), RASA1 (RAS p21 protein activator 1; plus strand). Cytogenetic location: 5q14.3.
Variant type: single nucleotide variant.
Coding change: c.1784G>C on transcript NM_002890.3 (MANE Select); coding-DNA position 1784, G replaced by C.
Protein change: p.Ser595Thr; replaces serine 595 with threonine.
Molecular consequence: missense variant. On other transcripts: intron variant (1).
Genome position (GRCh38, 1-based): chr5:87,374,170, G>C. VCF-style: chr5-87374170-G-C. GRCh37 (hg19) VCF-style: chr5-86669987-G-C.
Other names: c.1253G>C, p.Ser418Thr (NM_022650.3); c.933+20874C>G (NM_001364075.2); short protein forms S418T, S595T.
Identifiers: ClinVar variation 2808790 (VCV002808790.3), dbSNP rs2531338148, ClinGen allele CA360373546.